The following is an entry in ClinVar:

ClinVar aggregate classification (germline): Uncertain significance. Review status: criteria provided, multiple submitters, no conflicts (2 of 4 stars). 2 submissions from 2 submitters: Uncertain significance (2). Last evaluated 2025-04-09.

Conditions:
Hypophosphatemic rickets, autosomal recessive, 2 (ARHR2). Identifiers: Orphanet 289176, MedGen C2750078, MONDO:0013219, OMIM 613312.
Type 2 diabetes mellitus. Also called: Type II diabetes mellitus. Identifiers: MedGen C0011860, MeSH D003924, MONDO:0005148, OMIM 125853, HP:0005978.
Arterial calcification, generalized, of infancy, 1 (GACI1). Also called: Idiopathic Infantile Arterial Calcification. Identifiers: Orphanet 51608, MedGen C4551985, MONDO:0008817, OMIM 208000.
Obesity. Also called: Obesity disorder. Identifiers: Orphanet 71529, MedGen C0028754, MeSH D009765, MONDO:0011122, HP:0001513.
Hypopigmentation-punctate palmoplantar keratoderma syndrome. Also called: GUTTATE HYPOPIGMENTATION AND PUNCTATE PALMOPLANTAR KERATODERMA WITH OR WITHOUT ECTOPIC CALCIFICATION; Cole disease. Identifiers: Orphanet 324561, MedGen C3809781, MONDO:0014227, OMIM 615522.

Allele frequency attached by ClinVar (database versions not stated): gnomAD exomes 0.00001 and 0.00002; ExAC 0.00002; TOPMed 0.00004; gnomAD 0.00007 and 0.00008.
gnomAD v4.1: 16 of 1,613,764 alleles (0.00099%); highest among the groups gnomAD compares: African/African-American, 0.019%; no homozygotes.

Submissions (2):

Labcorp Genetics (formerly Invitae), Labcorp
Classification: Uncertain significance. Last evaluated: 2025-04-09. Review status: criteria provided, single submitter. Criteria: Invitae Variant Classification Sherloc (09022015). Collection method: clinical testing. Allele origin: germline.
Comment: This sequence change replaces isoleucine, which is neutral and non-polar, with valine, which is neutral and non-polar, at codon 567 of the ENPP1 protein (p.Ile567Val). This variant is present in population databases (rs750660271, gnomAD 0.02%). This missense change has been observed in individual(s) with ENPP1-related conditions (PMID: 34633109). ClinVar contains an entry for this variant (Variation ID: 968927). Invitae Evidence Modeling of protein sequence and biophysical properties (such as structural, functional, and spatial information, amino acid conservation, physicochemical variation, residue mobility, and thermodynamic stability) indicates that this missense variant is not expected to disrupt ENPP1 protein function with a negative predictive value of 80%. In summary, the available evidence is currently insufficient to determine the role of this variant in disease. Therefore, it has been classified as a Variant of Uncertain Significance.

Fulgent Genetics
Classification: Uncertain significance for Type 2 diabetes mellitus; Arterial calcification, generalized, of infancy, 1; Inherited obesity; Hypophosphatemic rickets, autosomal recessive, 2; Hypopigmentation-punctate palmoplantar keratoderma syndrome. Last evaluated: 2022-02-24. Review status: criteria provided, single submitter. Criteria: ACMG Guidelines, 2015. Collection method: clinical testing. Allele origin: unknown.

Literature cited by the submitters: PubMed 34633109 (cited by Labcorp Genetics (formerly Invitae), Labcorp).

NM_006208.3(ENPP1):c.1699A>G (p.Ile567Val)

Gene: ENPP1 (ectonucleotide pyrophosphatase/phosphodiesterase 1; plus strand). Cytogenetic location: 6q23.2.
Variant type: single nucleotide variant.
Coding change: c.1699A>G on transcript NM_006208.3 (MANE Select); coding-DNA position 1699, A replaced by G.
Protein change: p.Ile567Val; replaces isoleucine 567 with valine.
Molecular consequence: missense variant.
Genome position (GRCh38, 1-based): chr6:131,875,839, A>G. VCF-style: chr6-131875839-A-G. GRCh37 (hg19) VCF-style: chr6-132196979-A-G.
Other names: short protein forms I567V.
Identifiers: ClinVar variation 968927 (VCV000968927.11), dbSNP rs750660271, ClinGen allele CA4002297.